The following is an entry in ClinVar:

NM_000214.3(JAG1):c.902G>T (p.Gly301Val)

Gene: JAG1 (jagged canonical Notch ligand 1; minus strand). Cytogenetic location: 20p12.2.
Variant type: single nucleotide variant.
Coding change: c.902G>T on transcript NM_000214.3 (MANE Select); coding-DNA position 902, G replaced by T.
Protein change: p.Gly301Val; replaces glycine 301 with valine.
Molecular consequence: missense variant.
Genome position (GRCh38, 1-based): chr20:10,652,235, C>A on the plus strand (G>T on the coding strand, the complement: JAG1 is on the minus strand). VCF-style: chr20-10652235-C-A. GRCh37 (hg19) VCF-style: chr20-10632883-C-A.
Other names: short protein forms G301V.
Identifiers: ClinVar variation 3573177 (VCV003573177.2).
Genomic context (GRCh38, chr20:10,652,235, plus strand): 5'-TGATATTTGTCAGGGCCTGTGTTGCTACAAGTTCCCCCGTTGAGACACGGCTGATGAGTC[C>A]CACAGTAATTGAGATCTGCCAAAAAGATCCTGGAGTCACTAAGAGACGCCTGTGAAGATG-3'
Protein context (NP_000205.1, residues 291-311): QLCDKDLNYC[Gly301Val]THQPCLNGGT

Conditions:
Arteriohepatic dysplasia. Also called: Alagille Syndrome. Identifiers: Orphanet 52, MedGen C0085280, MeSH D016738, MONDO:0007318.

Submission:

Gilbert/Spinner Lab, Children's Hospital of Philadelphia
No classification provided (evidence only). Condition: Alagille syndrome. Review status: no classification provided. Collection method: research. Allele origin: not applicable. Functional consequence: functionally_abnormal.
ClinVar note: "not provided" was previously submitted as the classification for the variant. However, the classification appeared to be based only on an observation of functional data so it was converted to no classification on 2025-07-30.